The following is an entry in ClinVar:

ClinVar aggregate classification (germline): Uncertain significance. Review status: criteria provided, multiple submitters, no conflicts (2 of 4 stars). 2 submissions from 2 submitters: Uncertain significance (2). Last evaluated 2025-06-29.

Conditions:
Inborn genetic diseases. Identifiers: MedGen C0950123, MeSH D030342.

Allele frequency attached by ClinVar (database versions not stated): TOPMed below 0.00001; ExAC 0.00001.
gnomAD v4.1: 4 of 1,614,134 alleles (0.00025%); highest among the groups gnomAD compares: Non-Finnish European, 0.00034%; no homozygotes.

Submissions (2):

Ambry Genetics
Classification: Uncertain significance for Inborn genetic diseases. Last evaluated: 2025-06-29. Review status: criteria provided, single submitter. Criteria: Ambry Variant Classification Scheme 2023. Collection method: clinical testing. Allele origin: germline.

Labcorp Genetics (formerly Invitae), Labcorp
Classification: Uncertain significance. Last evaluated: 2023-12-07. Review status: criteria provided, single submitter. Criteria: Invitae Variant Classification Sherloc (09022015). Collection method: clinical testing. Allele origin: germline.
Comment: This sequence change replaces proline, which is neutral and non-polar, with threonine, which is neutral and polar, at codon 286 of the ABHD5 protein (p.Pro286Thr). This variant is present in population databases (rs750266230, gnomAD 0.0009%). This variant has not been reported in the literature in individuals affected with ABHD5-related conditions. ClinVar contains an entry for this variant (Variation ID: 1972238). An algorithm developed to predict the effect of missense changes on protein structure and function (PolyPhen-2) suggests that this variant is likely to be tolerated. In summary, the available evidence is currently insufficient to determine the role of this variant in disease. Therefore, it has been classified as a Variant of Uncertain Significance.

NM_016006.6(ABHD5):c.856C>A (p.Pro286Thr)

Gene: ABHD5 (abhydrolase domain containing 5, lysophosphatidic acid acyltransferase; plus strand). Cytogenetic location: 3p21.33.
Variant type: single nucleotide variant.
Coding change: c.856C>A on transcript NM_016006.6 (MANE Select); coding-DNA position 856, C replaced by A.
Protein change: p.Pro286Thr; replaces proline 286 with threonine.
Molecular consequence: missense variant. On other transcripts: non-coding transcript variant (1), intron variant (1).
Genome position (GRCh38, 1-based): chr3:43,717,753, C>A. VCF-style: chr3-43717753-C-A. GRCh37 (hg19) VCF-style: chr3-43759245-C-A.
Other names: c.856C>A, p.Pro286Thr (NM_001355186.2); c.733C>A, p.Pro245Thr (NM_001365649.1); c.774-690C>A (NM_001365650.1); c.856C>A (NM_016006.4); short protein forms P286T, P245T.
Identifiers: ClinVar variation 1972238 (VCV001972238.6), dbSNP rs750266230, ClinGen allele CA2341487.